The following is an entry in ClinVar:

NM_006341.4(MAD2L2):c.13A>G (p.Thr5Ala)

Gene: MAD2L2 (mitotic arrest deficient 2 like 2; minus strand). Cytogenetic location: 1p36.22.
Variant type: single nucleotide variant.
Coding change: c.13A>G on transcript NM_006341.4 (MANE Select); coding-DNA position 13, A replaced by G.
Protein change: p.Thr5Ala; replaces threonine 5 with alanine.
Molecular consequence: missense variant.
Genome position (GRCh38, 1-based): chr1:11,680,589, T>C on the plus strand (A>G on the coding strand, the complement: MAD2L2 is on the minus strand). VCF-style: chr1-11680589-T-C. GRCh37 (hg19) VCF-style: chr1-11740646-T-C.
Other names: c.13A>G, p.Thr5Ala (NM_001127325.2); short protein forms T5A.
Identifiers: ClinVar variation 2754218 (VCV002754218.3), dbSNP rs752166135, ClinGen allele CA593946.
Genomic context (GRCh38, chr1:11,680,589, plus strand): 5'-CCGCCCCCGGGCCCGCAGGTCCAGCCTCCCTACCTTGGCCAAAGTTGAGGTCTTGTCGTG[T>C]GAGCGTGGTCATCCTTCCCGCTACCTGAGTGTTGGGGCAAGGGCAGAGGGTAGTTCCAGA-3'
Protein context (NP_006332.3, residues 1-15): MTTL[Thr5Ala]RQDLNFGQVV

ClinVar aggregate classification (germline): Uncertain significance (1 of 4 stars; one submission).

Allele frequency attached by ClinVar (database versions not stated): gnomAD exomes 0.00001; ExAC 0.00002.
gnomAD v4.1: 3 of 1,579,264 alleles (0.00019%); highest among the groups gnomAD compares: Non-Finnish European, 0.00026%; no homozygotes.

Submission:

Labcorp Genetics (formerly Invitae), Labcorp
Classification: Uncertain significance. Last evaluated: 2024-01-18. Review status: criteria provided, single submitter. Criteria: Invitae Variant Classification Sherloc (09022015). Collection method: clinical testing. Allele origin: germline.
Comment: This sequence change replaces threonine, which is neutral and polar, with alanine, which is neutral and non-polar, at codon 5 of the MAD2L2 protein (p.Thr5Ala). This variant is present in population databases (rs752166135, gnomAD 0.002%). This variant has not been reported in the literature in individuals affected with MAD2L2-related conditions. An algorithm developed to predict the effect of missense changes on protein structure and function (PolyPhen-2) suggests that this variant is likely to be tolerated. In summary, the available evidence is currently insufficient to determine the role of this variant in disease. Therefore, it has been classified as a Variant of Uncertain Significance.